The following is an entry in ClinVar:

ClinVar aggregate classification (germline): Uncertain significance (1 of 4 stars; one submission).

Allele frequency attached by ClinVar (database versions not stated): TOPMed below 0.00001.

Submission:

Ambry Genetics
Classification: Uncertain significance. Last evaluated: 2021-11-22. Review status: criteria provided, single submitter. Criteria: Ambry Variant Classification Scheme 2023. Collection method: clinical testing. Allele origin: germline.
Comment: The p.P145L variant (also known as c.434C>T), located in coding exon 3 of the POLQ gene, results from a C to T substitution at nucleotide position 434. The proline at codon 145 is replaced by leucine, an amino acid with similar properties. This amino acid position is conserved. In addition, this alteration is predicted to be deleterious by in silico analysis. Since supporting evidence is limited at this time, the clinical significance of this alteration remains unclear.

NM_199420.4(POLQ):c.434C>T (p.Pro145Leu)

Gene: POLQ (DNA polymerase theta; minus strand). Cytogenetic location: 3q13.33.
Variant type: single nucleotide variant.
Coding change: c.434C>T on transcript NM_199420.4 (MANE Select); coding-DNA position 434, C replaced by T.
Protein change: p.Pro145Leu; replaces proline 145 with leucine.
Molecular consequence: missense variant.
Genome position (GRCh38, 1-based): chr3:121,541,389, G>A on the plus strand (C>T on the coding strand, the complement: POLQ is on the minus strand). VCF-style: chr3-121541389-G-A. GRCh37 (hg19) VCF-style: chr3-121260236-G-A.
Other names: short protein forms P145L.
Identifiers: ClinVar variation 1739919 (VCV001739919.2), dbSNP rs1271104652, ClinGen allele CA354092846.
Genomic context (GRCh38, chr3:121,541,389, plus strand): 5'-AACTTAGTAAAAAACATTACCTGGAGGTAGTATTTCTTCTCTTTAGCCACAGAAACAAAG[G>A]GAAGAATAAACAAAGCTTTCTTCCGCATTTCCAAAACCCGCTTCAAAATAAGTAATTCTG-3'
Protein context (NP_955452.3, residues 135-155): EMRKKALFIL[Pro145Leu]FVSVAKEKKY